The following is an entry in ClinVar:

ClinVar aggregate classification (germline): Uncertain significance (1 of 4 stars; one submission).

Allele frequency attached by ClinVar (database versions not stated): gnomAD exomes 0.00001.
gnomAD v4.1: 5 of 1,609,866 alleles (0.00031%); highest among the groups gnomAD compares: Non-Finnish European, 0.00042%; no homozygotes.

Submission:

Labcorp Genetics (formerly Invitae), Labcorp
Classification: Uncertain significance. Last evaluated: 2021-08-24. Review status: criteria provided, single submitter. Criteria: Invitae Variant Classification Sherloc (09022015). Collection method: clinical testing. Allele origin: germline.
Comment: This sequence change replaces phenylalanine with leucine at codon 28 of the ADGRV1 protein (p.Phe28Leu). The phenylalanine residue is weakly conserved and there is a small physicochemical difference between phenylalanine and leucine. This variant is not present in population databases (ExAC no frequency). This variant has not been reported in the literature in individuals affected with ADGRV1-related conditions. Algorithms developed to predict the effect of missense changes on protein structure and function output the following: SIFT: "Tolerated"; PolyPhen-2: "Benign"; Align-GVGD: "Class C0". The leucine amino acid residue is found in multiple mammalian species, which suggests that this missense change does not adversely affect protein function. In summary, the available evidence is currently insufficient to determine the role of this variant in disease. Therefore, it has been classified as a Variant of Uncertain Significance.

NM_032119.4(ADGRV1):c.84T>G (p.Phe28Leu)

Gene: ADGRV1 (adhesion G protein-coupled receptor V1; plus strand). Cytogenetic location: 5q14.3.
Variant type: single nucleotide variant.
Coding change: c.84T>G on transcript NM_032119.4 (MANE Select); coding-DNA position 84, T replaced by G.
Protein change: p.Phe28Leu; replaces phenylalanine 28 with leucine.
Molecular consequence: missense variant. On other transcripts: non-coding transcript variant (1).
Genome position (GRCh38, 1-based): chr5:90,614,896, T>G. VCF-style: chr5-90614896-T-G. GRCh37 (hg19) VCF-style: chr5-89910713-T-G.
Other names: short protein forms F28L.
Identifiers: ClinVar variation 1363393 (VCV001363393.5), dbSNP rs1251638958, ClinGen allele CA360382266.